The following is an entry in ClinVar:

ClinVar aggregate classification (germline): Pathogenic. Review status: criteria provided, multiple submitters, no conflicts (2 of 4 stars). 2 submissions from 2 submitters: Pathogenic (2). Last evaluated 2024-05-03.

Conditions:
Asphyxiating thoracic dystrophy 3. Also called: SHORT-RIB THORACIC DYSPLASIA 3 WITH OR WITHOUT POLYDACTYLY; POLYDACTYLY WITH NEONATAL CHONDRODYSTROPHY, TYPE I; SHORT-RIB THORACIC DYSPLASIA 3/6 WITH POLYDACTYLY, DIGENIC; Short rib polydactyly syndrome 2B; Saldino-Noonan Syndrome. Identifiers: Orphanet 474, Orphanet 93269, Orphanet 93270, Orphanet 93271, MedGen C0036069, MONDO:0013127, OMIM 613091.
Jeune thoracic dystrophy. Also called: Short-rib thoracic dysplasia; Jeune syndrome; Infantile thoracic dystrophy; Thoracic pelvic phalangeal dystrophy; Jeune's syndrome; Chondroectodermal dysplasia-like syndrome. Identifiers: Orphanet 474, MedGen C0265275, MONDO:0018770.

gnomAD v4.1: 3 of 1,606,526 alleles (0.00019%); highest among the groups gnomAD compares: Non-Finnish European, 0.00026%; no homozygotes.

Submissions (2):

Myriad Genetics, Inc.
Classification: Pathogenic for Asphyxiating thoracic dystrophy 3. Last evaluated: 2024-05-03. Review status: criteria provided, single submitter. Criteria: Myriad Autosomal Dominant, Autosomal Recessive and X-Linked Classification Criteria (2023). Collection method: clinical testing. Allele origin: unknown.
Comment: NM_001377.2(DYNC2H1):c.7527T>A(Y2509*) is expected to be pathogenic in the context of DYNC2H1-related disorders. This variant is predicted to lead to an abnormal or absent protein product due to the creation of a premature termination codon in DYNC2H1, a gene where loss-of-function variants are known to be pathogenic. Please note: this variant was assessed in the context of healthy population screening.

Labcorp Genetics (formerly Invitae), Labcorp
Classification: Pathogenic for Jeune thoracic dystrophy. Last evaluated: 2023-12-10. Review status: criteria provided, single submitter. Criteria: Invitae Variant Classification Sherloc (09022015). Collection method: clinical testing. Allele origin: germline.
Comment: This sequence change creates a premature translational stop signal (p.Tyr2509*) in the DYNC2H1 gene. It is expected to result in an absent or disrupted protein product. Loss-of-function variants in DYNC2H1 are known to be pathogenic (PMID: 23339108, 32753734, 33755199). This variant is not present in population databases (gnomAD no frequency). This variant has not been reported in the literature in individuals affected with DYNC2H1-related conditions. ClinVar contains an entry for this variant (Variation ID: 2062120). Algorithms developed to predict the effect of sequence changes on RNA splicing suggest that this variant may disrupt the consensus splice site. For these reasons, this variant has been classified as Pathogenic.

Literature cited by the submitters: PubMed 23339108 (cited by Labcorp Genetics (formerly Invitae), Labcorp); PubMed 32753734 (cited by Labcorp Genetics (formerly Invitae), Labcorp); PubMed 33755199 (cited by Labcorp Genetics (formerly Invitae), Labcorp).

NM_001377.3(DYNC2H1):c.7527T>A (p.Tyr2509Ter)

Gene: DYNC2H1 (dynein cytoplasmic 2 heavy chain 1; plus strand). Cytogenetic location: 11q22.3.
Variant type: single nucleotide variant.
Coding change: c.7527T>A on transcript NM_001377.3 (MANE Select); coding-DNA position 7527, T replaced by A.
Protein change: p.Tyr2509Ter; replaces tyrosine 2509 with a stop codon.
Molecular consequence: nonsense.
Genome position (GRCh38, 1-based): chr11:103,191,606, T>A. VCF-style: chr11-103191606-T-A. GRCh37 (hg19) VCF-style: chr11-103062335-T-A.
Other names: c.7527T>A, p.Tyr2509Ter (NM_001080463.2); short protein forms Y2509*.
Identifiers: ClinVar variation 2062120 (VCV002062120.6), dbSNP rs1322369710, ClinGen allele CA382254213.
Genomic context (GRCh38, chr11:103,191,606, plus strand): 5'-TAGTCACTATTTCTTTACTCCTTGCATTCTTACCCAATGGGTTCTTGGCTTATTTAGATA[T>A]GATTTAGAAGGAGGTGAGTTTTGCTAGTGTGTATCTTGTGTGTGTGTGTGTGTGTGCACA-3'